The following is an entry in ClinVar:

NM_016562.4(TLR7):c.1266A>C (p.Arg422Ser)

Gene: TLR7 (toll like receptor 7; plus strand). Cytogenetic location: Xp22.2.
Variant type: single nucleotide variant.
Coding change: c.1266A>C on transcript NM_016562.4 (MANE Select); coding-DNA position 1266, A replaced by C.
Protein change: p.Arg422Ser; replaces arginine 422 with serine.
Molecular consequence: missense variant.
Genome position (GRCh38, 1-based): chrX:12,886,774, A>C. VCF-style: chrX-12886774-A-C. GRCh37 (hg19) VCF-style: chrX-12904893-A-C.
Other names: short protein forms R422S.
Identifiers: ClinVar variation 2854524 (VCV002854524.3), dbSNP rs1414082911, ClinGen allele CA412407198.
Genomic context (GRCh38, chrX:12,886,774, plus strand): 5'-TGATCTTGGCACTAACTTTATAAAAATTGCTAACCTCAGCATGTTTAAACAATTTAAAAG[A>C]CTGAAAGTCATAGATCTTTCAGTGAATAAAATATCACCTTCAGGAGATTCAAGTGAAGTT-3'
Protein context (NP_057646.1, residues 412-432): ANLSMFKQFK[Arg422Ser]LKVIDLSVNK

ClinVar aggregate classification (germline): Uncertain significance (1 of 4 stars; one submission).

Submission:

Labcorp Genetics (formerly Invitae), Labcorp
Classification: Uncertain significance. Last evaluated: 2023-04-09. Review status: criteria provided, single submitter. Criteria: Invitae Variant Classification Sherloc (09022015). Collection method: clinical testing. Allele origin: germline.
Comment: In summary, the available evidence is currently insufficient to determine the role of this variant in disease. Therefore, it has been classified as a Variant of Uncertain Significance. An algorithm developed to predict the effect of missense changes on protein structure and function (PolyPhen-2) suggests that this variant is likely to be tolerated. This variant has not been reported in the literature in individuals affected with TLR7-related conditions. This variant is present in population databases (no rsID available, gnomAD 0.001%). This sequence change replaces arginine, which is basic and polar, with serine, which is neutral and polar, at codon 422 of the TLR7 protein (p.Arg422Ser).